The following is an entry in ClinVar:

ClinVar aggregate classification (germline): Conflicting classifications of pathogenicity. Review status: criteria provided, conflicting classifications (1 of 4 stars). 2 submissions from 2 submitters: Uncertain significance (1); Likely benign (1). Last evaluated 2026-06-22.

Conditions:
ATP6V1B1-related disorder. Also called: ATP6V1B1-related condition.
Renal tubular acidosis with progressive nerve deafness. Also called: Distal Renal Tubular Acidosis with Progressive Sensorineural Deafness; RENAL TUBULAR ACIDOSIS, AUTOSOMAL RECESSIVE, WITH PROGRESSIVE NERVE DEAFNESS; RTA WITH PROGRESSIVE NERVE DEAFNESS; renal tubular acidosis, distal, 2, with progressive sensorineural hearing loss. Identifiers: MedGen C0403554, MONDO:0009968, OMIM 267300.

gnomAD v4.1: 28 of 1,612,792 alleles (0.0017%); highest among the groups gnomAD compares: African/African-American, 0.0053%; no homozygotes.

Submissions (2):

PreventionGenetics, part of Exact Sciences
Classification: Likely benign for ATP6V1B1-related condition. Last evaluated: 2026-06-22. Review status: criteria provided, single submitter. Criteria: ACMG Guidelines, 2015. Collection method: clinical testing. Allele origin: germline.
Comment: This variant is classified as likely benign based on ACMG/AMP sequence variant interpretation guidelines (Richards et al. 2015 PMID: 25741868, with internal and published modifications).

Fulgent Genetics
Classification: Uncertain significance for Renal tubular acidosis with progressive nerve deafness. Last evaluated: 2024-04-25. Review status: criteria provided, single submitter. Criteria: ACMG Guidelines, 2015. Collection method: clinical testing. Allele origin: germline.

NM_001692.4(ATP6V1B1):c.1059C>T (p.Asp353=)

Gene: ATP6V1B1 (ATPase H+ transporting V1 subunit B1; plus strand). Cytogenetic location: 2p13.3.
Variant type: single nucleotide variant.
Coding change: c.1059C>T on transcript NM_001692.4 (MANE Select); coding-DNA position 1059, C replaced by T.
Protein change: p.Asp353=; no amino-acid change (aspartic acid 353 retained).
Molecular consequence: synonymous variant.
Genome position (GRCh38, 1-based): chr2:70,963,311, C>T. VCF-style: chr2-70963311-C-T. GRCh37 (hg19) VCF-style: chr2-71190441-C-T.
Other names: c.1059C>T (NM_001692.3).
Identifiers: ClinVar variation 3586887 (VCV003586887.2).